The following is an entry in ClinVar:

ClinVar aggregate classification (germline): Uncertain significance (1 of 4 stars; one submission).

Conditions:
Familial hypobetalipoproteinemia 1. Also called: Hypobetalipoproteinemia, normotriglyceridemic; Acanthocytosis with hypobetalipoproteinemia; APOB-Related Familial Hypobetalipoproteinemia. Identifiers: MedGen C4551990, MONDO:0014252, OMIM 615558.
Hypercholesterolemia, autosomal dominant, type B (FHCL2). Also called: Familial Hypercholesterolemia Type B; APOLIPOPROTEIN B-100, FAMILIAL DEFECTIVE; APOLIPOPROTEIN B-100, FAMILIAL LIGAND-DEFECTIVE; HYPERCHOLESTEROLEMIA, FAMILIAL, DUE TO LIGAND-DEFECTIVE APOLIPOPROTEIN B; APOB-Related Familial Hypercholesterolemia, Autosomal Dominant; Hyperlipoproteinemia Type IIb. Identifiers: MedGen C1704417, MONDO:0007751, OMIM 144010.

gnomAD v4.1: 1 of 1,614,100 alleles (0.000062%); highest among the groups gnomAD compares: Non-Finnish European, 0.000085%; no homozygotes.

Submission:

Labcorp Genetics (formerly Invitae), Labcorp
Classification: Uncertain significance for Familial hypobetalipoproteinemia 1; Hypercholesterolemia, autosomal dominant, type B. Last evaluated: 2025-08-18. Review status: criteria provided, single submitter. Criteria: Invitae Variant Classification Sherloc (09022015). Collection method: clinical testing. Allele origin: germline.
Comment: This sequence change replaces isoleucine, which is neutral and non-polar, with threonine, which is neutral and polar, at codon 3875 of the APOB protein (p.Ile3875Thr). This variant is not present in population databases (gnomAD no frequency). This variant has not been reported in the literature in individuals affected with APOB-related conditions. Invitae Evidence Modeling of protein sequence and biophysical properties (such as structural, functional, and spatial information, amino acid conservation, physicochemical variation, residue mobility, and thermodynamic stability) indicates that this missense variant is not expected to disrupt APOB protein function with a negative predictive value of 95%. In summary, the available evidence is currently insufficient to determine the role of this variant in disease. Therefore, it has been classified as a Variant of Uncertain Significance.

NM_000384.3(APOB):c.11624T>C (p.Ile3875Thr)

Gene: APOB (apolipoprotein B; minus strand). Cytogenetic location: 2p24.1.
Variant type: single nucleotide variant.
Coding change: c.11624T>C on transcript NM_000384.3 (MANE Select); coding-DNA position 11624, T replaced by C.
Protein change: p.Ile3875Thr; replaces isoleucine 3875 with threonine.
Molecular consequence: missense variant.
Genome position (GRCh38, 1-based): chr2:21,005,244, A>G on the plus strand (T>C on the coding strand, the complement: APOB is on the minus strand). VCF-style: chr2-21005244-A-G. GRCh37 (hg19) VCF-style: chr2-21228116-A-G.
Other names: short protein forms I3875T.
Identifiers: ClinVar variation 4793178 (VCV004793178.1).